The following is an entry in ClinVar:

ClinVar aggregate classification (germline): Uncertain significance (1 of 4 stars; one submission).

Conditions:
Hereditary cancer-predisposing syndrome. Also called: Neoplastic Syndromes, Hereditary; Tumor predisposition; Hereditary neoplastic syndrome; Hereditary Cancer Syndrome. Identifiers: Orphanet 140162, MedGen C0027672, MeSH D009386, MONDO:0015356.

Allele frequency attached by ClinVar (database versions not stated): TOPMed below 0.00001; gnomAD 0.00001; gnomAD exomes 0.00001.
gnomAD v4.1: 10 of 1,613,362 alleles (0.00062%); highest among the groups gnomAD compares: Non-Finnish European, 0.00068%; no homozygotes.

Submission:

Ambry Genetics
Classification: Uncertain significance for Hereditary cancer-predisposing syndrome. Last evaluated: 2023-11-25. Review status: criteria provided, single submitter. Criteria: Ambry Variant Classification Scheme 2023. Collection method: clinical testing. Allele origin: germline.
Comment: The p.Q90E variant (also known as c.268C>G), located in coding exon 3 of the MRE11A gene, results from a C to G substitution at nucleotide position 268. The glutamine at codon 90 is replaced by glutamic acid, an amino acid with highly similar properties. This amino acid position is conserved. In addition, this alteration is predicted to be tolerated by in silico analysis. Since supporting evidence is limited at this time, the clinical significance of this alteration remains unclear.

NM_005591.4(MRE11):c.268C>G (p.Gln90Glu)

Gene: MRE11 (MRE11 double strand break repair nuclease; minus strand). Cytogenetic location: 11q21.
Variant type: single nucleotide variant.
Coding change: c.268C>G on transcript NM_005591.4 (MANE Select); coding-DNA position 268, C replaced by G.
Protein change: p.Gln90Glu; replaces glutamine 90 with glutamic acid.
Molecular consequence: missense variant.
Genome position (GRCh38, 1-based): chr11:94,485,970, G>C on the plus strand (C>G on the coding strand, the complement: MRE11 is on the minus strand). VCF-style: chr11-94485970-G-C. GRCh37 (hg19) VCF-style: chr11-94219136-G-C.
Other names: c.268C>G, p.Gln90Glu (NM_001330347.2, NM_005590.4); short protein forms Q90E.
Identifiers: ClinVar variation 3224856 (VCV003224856.1), dbSNP rs1565238874, ClinGen allele CA382379511.